The following is an entry in ClinVar:

NM_001330691.3(CEP78):c.440C>T (p.Ser147Leu)

Gene: CEP78 (centrosomal protein 78; plus strand). Cytogenetic location: 9q21.2.
Variant type: single nucleotide variant.
Coding change: c.440C>T on transcript NM_001330691.3 (MANE Select); coding-DNA position 440, C replaced by T.
Protein change: p.Ser147Leu; replaces serine 147 with leucine.
Molecular consequence: missense variant.
Genome position (GRCh38, 1-based): chr9:78,240,305, C>T. VCF-style: chr9-78240305-C-T. GRCh37 (hg19) VCF-style: chr9-80855221-C-T.
Other names: c.440C>T, p.Ser147Leu (NM_001098802.3, NM_001330693.3, NM_001330694.2 and 4 more transcripts); short protein forms S147L.
Identifiers: ClinVar variation 844272 (VCV000844272.9), dbSNP rs759754640, ClinGen allele CA374000003.

ClinVar aggregate classification (germline): Likely pathogenic. Review status: criteria provided, single submitter (1 of 4 stars). 2 submissions from 2 submitters: Likely pathogenic (1). 1 of the submissions does not count toward it. Last evaluated 2025-10-02.

Conditions:
Cone-rod dystrophy and hearing loss 1 (CRDHL1). Identifiers: MedGen C5193018, MONDO:0020778, OMIM 617236.

Allele frequency attached by ClinVar (database versions not stated): TOPMed 0.00001.
gnomAD v4.1: 12 of 1,601,018 alleles (0.00075%); highest among the groups gnomAD compares: African/African-American, 0.0013%; no homozygotes.

Submissions (2):

Labcorp Genetics (formerly Invitae), Labcorp
Classification: Likely pathogenic. Last evaluated: 2025-10-02. Review status: criteria provided, single submitter. Criteria: Invitae Variant Classification Sherloc (09022015). Collection method: clinical testing. Allele origin: germline.
Comment: This sequence change replaces serine, which is neutral and polar, with leucine, which is neutral and non-polar, at codon 147 of the CEP78 protein (p.Ser147Leu). This variant is not present in population databases (gnomAD no frequency). This missense change has been observed in individual(s) with CEP78-related conditions (PMID: 28559085, 34223797, 38927562; internal data). In at least one individual the data is consistent with being in trans (on the opposite chromosome) from a pathogenic variant. ClinVar contains an entry for this variant (Variation ID: 844272). Invitae Evidence Modeling of protein sequence and biophysical properties (such as structural, functional, and spatial information, amino acid conservation, physicochemical variation, residue mobility, and thermodynamic stability) indicates that this missense variant is not expected to disrupt CEP78 protein function with a negative predictive value of 80%. In summary, the currently available evidence indicates that the variant is pathogenic, but additional data are needed to prove that conclusively. Therefore, this variant has been classified as Likely Pathogenic.

OMIM
Classification: Pathogenic for CONE-ROD DYSTROPHY AND HEARING LOSS 1. Last evaluated: 2024-10-30. Review status: no assertion criteria provided. Collection method: literature only. Allele origin: germline. Not counted in ClinVar's aggregate classification.

Literature cited by the submitters: PubMed 28559085 (cited by Labcorp Genetics (formerly Invitae), Labcorp); PubMed 34223797 (cited by Labcorp Genetics (formerly Invitae), Labcorp and OMIM); PubMed 38927562 (cited by Labcorp Genetics (formerly Invitae), Labcorp).